The following is an entry in ClinVar:

ClinVar aggregate classification (germline): Likely pathogenic. Review status: criteria provided, multiple submitters, no conflicts (2 of 4 stars). 3 submissions from 3 submitters: Likely pathogenic (2). 1 of the submissions does not count toward it. Last evaluated 2026-05-28.

Conditions:
Usher syndrome type 2A. Also called: RETINAL DISEASE IN USHER SYNDROME TYPE IIA, MODIFIER OF; USHER SYNDROME, TYPE IIA. Identifiers: Orphanet 231178, Orphanet 886, MedGen C1848634, MONDO:0010169, OMIM 276901.
USH2A-related disorder. Also called: USH2A-related disorders; USH2A-related condition. Identifiers: MedGen CN239332.

Allele frequency attached by ClinVar (database versions not stated): gnomAD exomes below 0.00001; gnomAD 0.00001; TOPMed 0.00001.
gnomAD v4.1: 2 of 1,613,338 alleles (0.00012%); highest among the groups gnomAD compares: African/African-American, 0.0027%; no homozygotes.

Submissions (3):

PreventionGenetics, part of Exact Sciences
Classification: Likely pathogenic for USH2A-related condition. Last evaluated: 2026-05-28. Review status: criteria provided, single submitter. Criteria: ACMG Guidelines, 2015. Collection method: clinical testing. Allele origin: germline.
Comment: The USH2A c.4870G>T variant is predicted to result in the amino acid substitution p.Asp1624Tyr. To our knowledge, this variant has not been reported in the literature. This variant is reported in 0.0062% of alleles in individuals of African descent in gnomAD. Another variant affecting the same amino acid position, p.(Asp1624Val), has been identified with a second causative USH2A variant in two affected siblings with hearing loss (Markova et al. 2022. PubMed ID: 35452909). This variant is interpreted as likely pathogenic.

Labcorp Genetics (formerly Invitae), Labcorp
Classification: Likely pathogenic. Last evaluated: 2025-12-15. Review status: criteria provided, single submitter. Criteria: Invitae Variant Classification Sherloc (09022015). Collection method: clinical testing. Allele origin: germline.
Comment: This sequence change replaces aspartic acid, which is acidic and polar, with tyrosine, which is neutral and polar, at codon 1624 of the USH2A protein (p.Asp1624Tyr). This variant is present in population databases (no rsID available, gnomAD 0.007%). This missense change has been observed in individuals with clinical features of USH2A-related conditions (internal data). ClinVar contains an entry for this variant (Variation ID: 1058465). Invitae Evidence Modeling of protein sequence and biophysical properties (such as structural, functional, and spatial information, amino acid conservation, physicochemical variation, residue mobility, and thermodynamic stability) indicates that this missense variant is expected to disrupt USH2A protein function with a positive predictive value of 95%. In summary, the currently available evidence indicates that the variant is pathogenic, but additional data are needed to prove that conclusively. Therefore, this variant has been classified as Likely Pathogenic.

Natera, Inc.
Classification: Uncertain significance for Usher syndrome type 2A. Last evaluated: 2021-08-16. Review status: no assertion criteria provided. Collection method: clinical testing. Allele origin: germline. Not counted in ClinVar's aggregate classification.

NM_206933.4(USH2A):c.4870G>T (p.Asp1624Tyr)

Gene: USH2A (usherin; minus strand). Cytogenetic location: 1q41.
Variant type: single nucleotide variant.
Coding change: c.4870G>T on transcript NM_206933.4 (MANE Select); coding-DNA position 4870, G replaced by T.
Protein change: p.Asp1624Tyr; replaces aspartic acid 1624 with tyrosine.
Molecular consequence: missense variant.
Genome position (GRCh38, 1-based): chr1:216,089,028, C>A on the plus strand (G>T on the coding strand, the complement: USH2A is on the minus strand). VCF-style: chr1-216089028-C-A. GRCh37 (hg19) VCF-style: chr1-216262370-C-A.
Other names: c.4870G>T (NM_206933.2); short protein forms D1624Y.
Identifiers: ClinVar variation 1058465 (VCV001058465.11), dbSNP rs1418438946, ClinGen allele CA344860621.